The following is an entry in ClinVar:

NM_007373.4(SHOC2):c.*164T>A

Gene: SHOC2 (SHOC2 leucine rich repeat scaffold protein; plus strand). Cytogenetic location: 10q25.2.
Variant type: single nucleotide variant.
Coding change: c.*164T>A on transcript NM_007373.4 (MANE Select); 164 bases downstream of the stop codon, T replaced by A.
Molecular consequence: 3 prime UTR variant. On other transcripts: non-coding transcript variant (1).
Genome position (GRCh38, 1-based): chr10:111,011,982, T>A. VCF-style: chr10-111011982-T-A. GRCh37 (hg19) VCF-style: chr10-112771740-T-A.
Other names: c.*164T>A (NM_001269039.3, NM_001324336.2, NM_001324337.2).
Identifiers: ClinVar variation 298865 (VCV000298865.6), dbSNP rs191293913, ClinGen allele CA10634679.
Genomic context (GRCh38, chr10:111,011,982, plus strand): 5'-ATAAAAATTGCATTATGTGTTTCTGCTAATAGAGGAATCATAGCCATTTAGAATTTTTTT[T>A]AAATTCTGTACAAAAGGCTTATATAAGTTTTCTTTGCTGAATTTGATGGATGTTTTTCTG-3'

ClinVar aggregate classification (germline): Benign. Review status: criteria provided, multiple submitters, no conflicts (2 of 4 stars). 2 submissions from 2 submitters: Benign (2). Last evaluated 2018-01-13.

Conditions:
Noonan syndrome-like disorder with loose anagen hair 1 (NSLH1). Also called: TOSTI SYNDROME; MAZZANTI SYNDROME. Identifiers: Orphanet 2701, MedGen C4478716, MONDO:0054637, OMIM 607721.

Allele frequency attached by ClinVar (database versions not stated): 1000 Genomes Project 0.00699; TOPMed 0.00311; gnomAD 0.00355 and 0.00283; 1000 Genomes Project 30x 0.00625.
gnomAD v4.1: 3,445 of 641,144 alleles (0.54%); highest among the groups gnomAD compares: South Asian, 2.4%; 40 homozygotes.

Submissions (2):

Illumina Laboratory Services, Illumina
Classification: Benign for Noonan syndrome-like disorder with loose anagen hair 1. Last evaluated: 2018-01-13. Review status: criteria provided, single submitter. Criteria: ICSL Variant Classification Criteria 13 December 2019. Collection method: clinical testing. Allele origin: germline.
Comment: This variant was observed in the ICSL laboratory as part of a predisposition screen in an ostensibly healthy population. It had not been previously curated by ICSL or reported in the Human Gene Mutation Database (HGMD: prior to June 1st, 2018), and was therefore a candidate for classification through an automated scoring system. Utilizing variant allele frequency, disease prevalence and penetrance estimates, and inheritance mode, an automated score was calculated to assess if this variant is too frequent to cause the disease. Based on the score and internal cut-off values, a variant classified as benign is not then subjected to further curation. The score for this variant resulted in a classification of benign for this disease.

Breakthrough Genomics
Classification: Benign. Review status: criteria provided, single submitter. Criteria: ACMG Guidelines, 2015. Collection method: not provided. Allele origin: germline. Inheritance: Autosomal dominant inheritance. Affected: yes.